The following is an entry in ClinVar:

ClinVar aggregate classification (germline): Conflicting classifications of pathogenicity. Review status: criteria provided, conflicting classifications (1 of 4 stars). 2 submissions from 2 submitters: Pathogenic (1); Uncertain significance (1). Last evaluated 2026-03-09.

Submissions (2):

GeneDx
Classification: Pathogenic. Last evaluated: 2026-03-09. Review status: criteria provided, single submitter. Criteria: GeneDx Variant Classification Process June 2021. Collection method: clinical testing. Allele origin: germline.
Comment: Not observed at significant frequency in large population cohorts (gnomAD); In silico analysis supports that this missense variant has a deleterious effect on protein structure/function; This variant is associated with the following publications: (PMID: 33057194, 35982159, 31785789)

Blueprint Genetics
Classification: Uncertain significance. Last evaluated: 2024-10-28. Review status: criteria provided, single submitter. Criteria: ACMG Guidelines, 2015. Collection method: clinical testing. Allele origin: germline.

NM_003031.4(SIAH1):c.226C>T (p.Arg76Trp)

Genes: LONP2 (lon peptidase 2, peroxisomal; plus strand), SIAH1 (siah E3 ubiquitin protein ligase 1; minus strand). Cytogenetic location: 16q12.1.
Variant type: single nucleotide variant.
Coding change: c.226C>T on transcript NM_003031.4 (MANE Select); coding-DNA position 226, C replaced by T.
Protein change: p.Arg76Trp; replaces arginine 76 with tryptophan.
Molecular consequence: missense variant. On other transcripts: 3 prime UTR variant (1).
Genome position (GRCh38, 1-based): chr16:48,362,203, G>A on the plus strand (C>T on the coding strand, the complement: SIAH1 is on the minus strand). VCF-style: chr16-48362203-G-A. GRCh37 (hg19) VCF-style: chr16-48396114-G-A.
Other names: c.319C>T, p.Arg107Trp (NM_001006610.2); c.*607G>A (NM_001348078.2); short protein forms R107W, R76W.
Identifiers: ClinVar variation 1712904 (VCV001712904.4), dbSNP rs2544514321, ClinGen allele CA396106317.